The following is an entry in ClinVar:

NM_001999.4(FBN2):c.8458G>A (p.Glu2820Lys)

Gene: FBN2 (fibrillin 2; minus strand). Cytogenetic location: 5q23.3.
Variant type: single nucleotide variant.
Coding change: c.8458G>A on transcript NM_001999.4 (MANE Select); coding-DNA position 8458, G replaced by A.
Protein change: p.Glu2820Lys; replaces glutamic acid 2820 with lysine.
Molecular consequence: missense variant.
Genome position (GRCh38, 1-based): chr5:128,259,736, C>T on the plus strand (G>A on the coding strand, the complement: FBN2 is on the minus strand). VCF-style: chr5-128259736-C-T. GRCh37 (hg19) VCF-style: chr5-127595428-C-T.
Other names: short protein forms E2820K.
Identifiers: ClinVar variation 450503 (VCV000450503.12), dbSNP rs752384882, ClinGen allele CA3393800.

ClinVar aggregate classification (germline): Conflicting classifications of pathogenicity. Review status: criteria provided, conflicting classifications (1 of 4 stars). 4 submissions from 4 submitters: Uncertain significance (3); Likely benign (1). Last evaluated 2025-02-20.

Conditions:
Familial thoracic aortic aneurysm and aortic dissection (TAAD). Also called: Thoracic aortic aneurysms and dissections. Identifiers: Orphanet 91387, MedGen C4707243, MONDO:0019625.
Congenital contractural arachnodactyly (CCA). Also called: Arthrogryposis, distal, type 9; BEALS SYNDROME; Beals-Hecht syndrome. Identifiers: Orphanet 115, MedGen C0220668, MONDO:0007363, OMIM 121050.

Allele frequency attached by ClinVar (database versions not stated): ExAC 0.00001; gnomAD 0.00001; gnomAD exomes 0.00001 and 0.00002; TOPMed 0.00001.
gnomAD v4.1: 34 of 1,613,822 alleles (0.0021%); highest among the groups gnomAD compares: Non-Finnish European, 0.0025%; no homozygotes.

Submissions (4):

Labcorp Genetics (formerly Invitae), Labcorp
Classification: Uncertain significance for Congenital contractural arachnodactyly. Last evaluated: 2025-02-20. Review status: criteria provided, single submitter. Criteria: Invitae Variant Classification Sherloc (09022015). Collection method: clinical testing. Allele origin: germline.
Comment: This sequence change replaces glutamic acid, which is acidic and polar, with lysine, which is basic and polar, at codon 2820 of the FBN2 protein (p.Glu2820Lys). This variant is present in population databases (rs752384882, gnomAD 0.003%). This variant has not been reported in the literature in individuals affected with FBN2-related conditions. ClinVar contains an entry for this variant (Variation ID: 450503). Invitae Evidence Modeling of protein sequence and biophysical properties (such as structural, functional, and spatial information, amino acid conservation, physicochemical variation, residue mobility, and thermodynamic stability) indicates that this missense variant is not expected to disrupt FBN2 protein function with a negative predictive value of 80%. In summary, the available evidence is currently insufficient to determine the role of this variant in disease. Therefore, it has been classified as a Variant of Uncertain Significance.

Ambry Genetics
Classification: Uncertain significance for Familial thoracic aortic aneurysm and aortic dissection. Last evaluated: 2024-11-14. Review status: criteria provided, single submitter. Criteria: Ambry Variant Classification Scheme 2023. Collection method: clinical testing. Allele origin: germline.
Comment: The p.E2820K variant (also known as c.8458G>A), located in coding exon 65 of the FBN2 gene, results from a G to A substitution at nucleotide position 8458. The glutamic acid at codon 2820 is replaced by lysine, an amino acid with similar properties. This amino acid position is well conserved in available vertebrate species. In addition, this alteration is predicted to be tolerated by in silico analysis. Based on the available evidence, the clinical significance of this variant remains unclear.

Blueprint Genetics
Classification: Likely benign. Last evaluated: 2023-06-01. Review status: criteria provided, single submitter. Criteria: ACMG Guidelines, 2015. Collection method: clinical testing. Allele origin: germline.

GeneDx
Classification: Uncertain significance. Last evaluated: 2020-12-04. Review status: criteria provided, single submitter. Criteria: GeneDx Variant Classification Process June 2021. Collection method: clinical testing. Allele origin: germline. Affected: yes.
Comment: Has not been previously published as pathogenic or benign to our knowledge; Not observed at a significant frequency in large population cohorts (Lek et al., 2016); In silico analysis supports that this missense variant does not alter protein structure/function; Does not affect a cysteine residue within a calcium-binding EGF-like domain of the FBN2 gene; cysteine substitutions in the calcium-binding EGF-like domains represent the majority of pathogenic missense changes associated with FBN2-related disorders (Collod-Beroud et al., 2003; Frederic et al., 2009).